The following is an entry in ClinVar:

NM_000883.4(IMPDH1):c.847A>C (p.Asn283His)

Gene: IMPDH1 (inosine monophosphate dehydrogenase 1; minus strand). Cytogenetic location: 7q32.1.
Variant type: single nucleotide variant.
Coding change: c.847A>C on transcript NM_000883.4 (MANE Select); coding-DNA position 847, A replaced by C.
Protein change: p.Asn283His; replaces asparagine 283 with histidine.
Molecular consequence: missense variant.
Genome position (GRCh38, 1-based): chr7:128,400,122, T>G on the plus strand (A>C on the coding strand, the complement: IMPDH1 is on the minus strand). VCF-style: chr7-128400122-T-G. GRCh37 (hg19) VCF-style: chr7-128040176-T-G.
Other names: c.817A>C, p.Asn273His (NM_001102605.2); c.592A>C, p.Asn198His (NM_001142573.2); c.577A>C, p.Asn193His (NM_001142574.2); c.517A>C, p.Asn173His (NM_001142575.2); c.748A>C, p.Asn250His (NM_001142576.2); c.640A>C, p.Asn214His (NM_001304521.2); c.739A>C, p.Asn247His (NM_183243.3); short protein forms N247H, N283H, N198H, N173H, N250H, N193H, N214H, N273H.
Identifiers: ClinVar variation 2108317 (VCV002108317.4), dbSNP rs2535761455, ClinGen allele CA369171875.

ClinVar aggregate classification (germline): Uncertain significance (1 of 4 stars; one submission).

Submission:

Labcorp Genetics (formerly Invitae), Labcorp
Classification: Uncertain significance. Last evaluated: 2022-03-13. Review status: criteria provided, single submitter. Criteria: Invitae Variant Classification Sherloc (09022015). Collection method: clinical testing. Allele origin: germline.
Comment: This sequence change replaces asparagine, which is neutral and polar, with histidine, which is basic and polar, at codon 283 of the IMPDH1 protein (p.Asn283His). This variant is not present in population databases (gnomAD no frequency). In summary, the available evidence is currently insufficient to determine the role of this variant in disease. Therefore, it has been classified as a Variant of Uncertain Significance. This variant disrupts the p.Asn283 amino acid residue in IMPDH1. Other variant(s) that disrupt this residue have been determined to be pathogenic (PMID: 16384941). This suggests that this residue is clinically significant, and that variants that disrupt this residue are likely to be disease-causing. Algorithms developed to predict the effect of missense changes on protein structure and function are either unavailable or do not agree on the potential impact of this missense change (SIFT: "Deleterious"; PolyPhen-2: "Possibly Damaging"; Align-GVGD: "Class C0"). This variant has not been reported in the literature in individuals affected with IMPDH1-related conditions.

Literature cited by the submitters: PubMed 16384941.